The following is an entry in ClinVar:

NM_017841.4(SDHAF2):c.260G>C (p.Ser87Thr)

Gene: SDHAF2 (succinate dehydrogenase complex assembly factor 2; plus strand). Cytogenetic location: 11q12.2.
Variant type: single nucleotide variant.
Coding change: c.260G>C on transcript NM_017841.4 (MANE Select); coding-DNA position 260, G replaced by C.
Protein change: p.Ser87Thr; replaces serine 87 with threonine.
Molecular consequence: missense variant.
Genome position (GRCh38, 1-based): chr11:61,437,848, G>C. VCF-style: chr11-61437848-G-C. GRCh37 (hg19) VCF-style: chr11-61205320-G-C.
Other names: short protein forms S87T.
Identifiers: ClinVar variation 2625579 (VCV002625579.2), dbSNP rs2134892551, ClinGen allele CA380683954.
Genomic context (GRCh38, chr11:61,437,848, plus strand): 5'-GAGCCCGCCTGCTCTATGAGAGCAGAAAGAGGGGAATGTTGGAAAACTGCATTCTTCTTA[G>C]GTATGGGACTAGGAGTCTTTTTTTTTAAATCGGGCAGCTTCCTGAGCCAGAGTAGGTTCA-3'
Protein context (NP_060311.1, residues 77-97): RGMLENCILL[Ser87Thr]LFAKEHLQHM

ClinVar aggregate classification (germline): Uncertain significance (1 of 4 stars; one submission).

Conditions:
Hereditary cancer-predisposing syndrome. Also called: Tumor predisposition; Hereditary Cancer Syndrome; Hereditary neoplastic syndrome; Neoplastic Syndromes, Hereditary. Identifiers: Orphanet 140162, MedGen C0027672, MeSH D009386, MONDO:0015356.

Submission:

Ambry Genetics
Classification: Uncertain significance for Hereditary cancer-predisposing syndrome. Last evaluated: 2023-08-09. Review status: criteria provided, single submitter. Criteria: Ambry Variant Classification Scheme 2023. Collection method: clinical testing. Allele origin: germline.
Comment: The p.S87T variant (also known as c.260G>C), located in coding exon 2 of the SDHAF2 gene, results from a G to C substitution at nucleotide position 260. The amino acid change results in serine to threonine at codon 87, an amino acid with similar properties. However, this change occurs in the last base pair of coding exon 2, which makes it likely to have some effect on normal mRNA splicing. This nucleotide position is highly conserved in available vertebrate species. This amino acid position is highly conserved in available vertebrate species. In silico splice site analysis predicts that this alteration will weaken the native splice donor site. In addition, as a missense substitution, in silico analysis is inconclusive. Since supporting evidence is limited at this time, the clinical significance of this alteration remains unclear.